The following is an entry in ClinVar:

NM_020247.5(COQ8A):c.1293T>G (p.Pro431=)

Gene: COQ8A (coenzyme Q8A; plus strand). Cytogenetic location: 1q42.13.
Variant type: single nucleotide variant.
Coding change: c.1293T>G on transcript NM_020247.5 (MANE Select); coding-DNA position 1293, T replaced by G.
Protein change: p.Pro431=; no amino-acid change (proline 431 retained).
Molecular consequence: synonymous variant.
Genome position (GRCh38, 1-based): chr1:226,984,130, T>G. VCF-style: chr1-226984130-T-G. GRCh37 (hg19) VCF-style: chr1-227171831-T-G.
Identifiers: ClinVar variation 740770 (VCV000740770.33), dbSNP rs1572083099, ClinGen allele CA423527862.

ClinVar aggregate classification (germline): Likely benign. Review status: criteria provided, multiple submitters, no conflicts (2 of 4 stars). 3 submissions from 3 submitters: Likely benign (2). 1 of the submissions does not count toward it. Last evaluated 2022-12-01.

Conditions:
COQ8A-related disorder. Also called: COQ8A-related condition.

Submissions (3):

CeGaT Center for Human Genetics Tuebingen
Classification: Likely benign. Last evaluated: 2022-12-01. Review status: criteria provided, single submitter. Criteria: CeGaT Center For Human Genetics Tuebingen Variant Classification Criteria Version 2. Collection method: clinical testing. Allele origin: germline. Affected: yes. Observed: 1 variant allele.
Comment: COQ8A: PM2:Supporting, BP4, BP7

Labcorp Genetics (formerly Invitae), Labcorp
Classification: Likely benign. Last evaluated: 2018-06-28. Review status: criteria provided, single submitter. Criteria: Invitae Variant Classification Sherloc (09022015). Collection method: clinical testing. Allele origin: germline.

PreventionGenetics, part of Exact Sciences
Classification: Likely benign for COQ8A-related condition. Last evaluated: 2022-10-19. Review status: no assertion criteria provided. Collection method: clinical testing. Allele origin: germline. Not counted in ClinVar's aggregate classification.
Comment: This variant is classified as likely benign based on ACMG/AMP sequence variant interpretation guidelines (Richards et al. 2015 PMID: 25741868, with internal and published modifications).